The following continues an entry in ClinVar:

NM_001267550.2(TTN):c.14984C>G (p.Pro4995Arg)

Gene: TTN. ClinVar aggregate classification (germline): Benign/Likely benign. Benign (20); Likely benign (8).

Submissions 21 to 33 of 33:

Center for Advanced Laboratory Medicine, UC San Diego Health, University of California San Diego
Classification: Likely benign for Heart failure. Last evaluated: 2017-03-14. Review status: criteria provided, single submitter. Criteria: ACMG Guidelines, 2015. Collection method: clinical testing. Allele origin: germline. Affected: yes. Observed: 1 variant allele.

CHEO Genetics Diagnostic Laboratory, Children's Hospital of Eastern Ontario
Classification: Benign for Cardiomyopathy. Last evaluated: 2015-11-30. Review status: criteria provided, single submitter. Criteria: ACMG Guidelines, 2015. Collection method: clinical testing. Allele origin: germline. Study: Canadian Open Genetics Repository.

Laboratory for Molecular Medicine, Mass General Brigham Personalized Medicine
Classification: Benign. Last evaluated: 2015-08-21. Review status: criteria provided, single submitter. Criteria: LMM Criteria. Collection method: clinical testing. Allele origin: germline. Observed: 27 variant alleles.
Comment: p.Pro3751Arg in exon 48 of TTN: This variant is not expected to have clinical si gnificance because it has been identified in 3% (165/4956) of Finnish chromosome s by the Exome Aggregation Consortium (ExAC; dbS NP rs72648927).

Eurofins Ntd Llc (ga)
Classification: Benign. Last evaluated: 2013-12-19. Review status: criteria provided, single submitter. Criteria: EGL Classification Definitions 2015. Collection method: clinical testing. Allele origin: germline. Observed: 1 variant allele, 1 heterozygote.

Biesecker Lab/Clinical Genomics Section, National Institutes of Health
Classification: Benign. Last evaluated: 2013-06-24. Review status: criteria provided, single submitter. Criteria: Ng et al. (Circ Cardiovasc Genet. 2013). Collection method: research. Allele origin: unknown. Observed: 9 variant alleles. Study: ClinSeq.
Comment: The study set was not selected for affection status in relation to any cancer. Pathogenicity categories were based on literature curation. See Pubmed ID:23861362 for details.

Medical sequencing

Ambry Genetics
Classification: Benign for Cardiovascular phenotype. Last evaluated: 2013-03-06. Review status: criteria provided, single submitter. Criteria: Ambry Autosomal Dominant and X-Linked criteria (10/2015). Collection method: clinical testing. Allele origin: germline. Observed: 1 variant allele.

Breakthrough Genomics
Classification: Likely benign. Review status: criteria provided, single submitter. Criteria: ACMG Guidelines, 2015. Collection method: not provided. Allele origin: germline. Inheritance: Autosomal recessive inheritance. Affected: yes.

PreventionGenetics, part of Exact Sciences
Classification: Likely benign. Review status: criteria provided, single submitter. Criteria: ACMG Guidelines, 2015. Collection method: clinical testing. Allele origin: germline.

Clinical Genetics, Academic Medical Center
Classification: Benign. Review status: no assertion criteria provided. Collection method: clinical testing. Allele origin: germline. Affected: yes. Study: VKGL Data-share Consensus. Not counted in ClinVar's aggregate classification.

Diagnostic Laboratory, Department of Genetics, University Medical Center Groningen
Classification: Likely benign. Review status: no assertion criteria provided. Collection method: clinical testing. Allele origin: germline. Affected: yes. Study: VKGL Data-share Consensus. Not counted in ClinVar's aggregate classification.

Genome Diagnostics Laboratory, University Medical Center Utrecht
Classification: Benign. Review status: no assertion criteria provided. Collection method: clinical testing. Allele origin: germline. Affected: yes. Study: VKGL Data-share Consensus. Not counted in ClinVar's aggregate classification.

Joint Genome Diagnostic Labs from Nijmegen and Maastricht, Radboudumc and MUMC+
Classification: Benign. Review status: no assertion criteria provided. Collection method: clinical testing. Allele origin: germline. Affected: yes. Study: VKGL Data-share Consensus. Not counted in ClinVar's aggregate classification.

Laboratory of Diagnostic Genome Analysis, Leiden University Medical Center (LUMC)
Classification: Likely benign. Review status: no assertion criteria provided. Collection method: clinical testing. Allele origin: germline. Affected: yes. Study: VKGL Data-share Consensus. Not counted in ClinVar's aggregate classification.

Literature cited by the submitters: PubMed 24082139 (cited by Mayo Clinic Laboratories, Mayo Clinic and Athena Diagnostics); PubMed 26516846 (cited by Mayo Clinic Laboratories, Mayo Clinic); PubMed 32746448 (cited by Mayo Clinic Laboratories, Mayo Clinic).